The following is an entry in ClinVar:

NM_001099274.3(TINF2):c.1222-2A>G

Gene: TINF2 (TERF1 interacting nuclear factor 2; minus strand). Cytogenetic location: 14q12.
Variant type: single nucleotide variant.
Coding change: c.1222-2A>G on transcript NM_001099274.3 (MANE Select); the canonical splice acceptor site of the intron before coding-DNA position 1222, A replaced by G.
Molecular consequence: splice acceptor variant. On other transcripts: 3 prime UTR variant (1).
Genome position (GRCh38, 1-based): chr14:24,239,933, T>C on the plus strand (A>G on the coding strand, the complement: TINF2 is on the minus strand). VCF-style: chr14-24239933-T-C. GRCh37 (hg19) VCF-style: chr14-24709139-T-C.
Other names: c.*482A>G (NM_012461.3); c.1117-2A>G (NM_001363668.2).
Identifiers: ClinVar variation 1511749 (VCV001511749.6), dbSNP rs1205167406, ClinGen allele CA389220482.

ClinVar aggregate classification (germline): Uncertain significance (1 of 4 stars; one submission).

Conditions:
Dyskeratosis congenita. Identifiers: Orphanet 1775, MedGen C0265965, MONDO:0015780.

Allele frequency attached by ClinVar (database versions not stated): gnomAD exomes below 0.00001.
gnomAD v4.1: 1 of 1,614,178 alleles (0.000062%); highest among the groups gnomAD compares: East Asian, 0.0022%; no homozygotes.

Submission:

Labcorp Genetics (formerly Invitae), Labcorp
Classification: Uncertain significance for Dyskeratosis congenita. Last evaluated: 2025-01-27. Review status: criteria provided, single submitter. Criteria: Invitae Variant Classification Sherloc (09022015). Collection method: clinical testing. Allele origin: germline.
Comment: This sequence change falls in intron 8 of the TINF2 gene. It does not directly change the encoded amino acid sequence of the TINF2 protein. It affects a nucleotide within the consensus splice site. This variant is present in population databases (no rsID available, gnomAD 0.006%). This variant has not been reported in the literature in individuals affected with TINF2-related conditions. ClinVar contains an entry for this variant (Variation ID: 1511749). Variants that disrupt the consensus splice site are a relatively common cause of aberrant splicing (PMID: 17576681, 9536098). Algorithms developed to predict the effect of sequence changes on RNA splicing suggest that this variant may disrupt the consensus splice site. In summary, the available evidence is currently insufficient to determine the role of this variant in disease. Therefore, it has been classified as a Variant of Uncertain Significance.

Literature cited by the submitters: PubMed 17576681; PubMed 9536098.